The following is an entry in ClinVar:

ClinVar aggregate classification (germline): Conflicting classifications of pathogenicity. Review status: criteria provided, conflicting classifications (1 of 4 stars). 3 submissions from 3 submitters: Uncertain significance (2); Likely benign (1). Last evaluated 2026-01-20.

Conditions:
Familial thoracic aortic aneurysm and aortic dissection (TAAD). Also called: Thoracic aortic aneurysms and dissections. Identifiers: Orphanet 91387, MedGen C4707243, MONDO:0019625.
Aortic aneurysm, familial thoracic 8 (AAT8). Identifiers: MedGen C3809513, MONDO:0014187, OMIM 615436.

Allele frequency attached by ClinVar (database versions not stated): gnomAD exomes 0.00005 and 0.00016; gnomAD 0.00006; ESP Exome Variant Server 0.00008; TOPMed 0.00008; ExAC 0.00015.
gnomAD v4.1: 85 of 1,613,098 alleles (0.0053%); highest among the groups gnomAD compares: Admixed American, 0.062%; no homozygotes.

Submissions (3):

Labcorp Genetics (formerly Invitae), Labcorp
Classification: Likely benign for Aortic aneurysm, familial thoracic 8. Last evaluated: 2026-01-20. Review status: criteria provided, single submitter. Criteria: Invitae Variant Classification Sherloc (09022015). Collection method: clinical testing. Allele origin: germline.

GeneDx
Classification: Uncertain significance. Last evaluated: 2024-01-10. Review status: criteria provided, single submitter. Criteria: GeneDx Variant Classification Process June 2021. Collection method: clinical testing. Allele origin: germline. Affected: yes.
Comment: Has not been previously published as pathogenic or benign to our knowledge; In silico analysis supports that this missense variant has a deleterious effect on protein structure/function

Ambry Genetics
Classification: Uncertain significance for Familial thoracic aortic aneurysm and aortic dissection. Last evaluated: 2022-05-18. Review status: criteria provided, single submitter. Criteria: Ambry Variant Classification Scheme 2023. Collection method: clinical testing. Allele origin: germline.

NM_006258.4(PRKG1):c.2014G>A (p.Asp672Asn)

Gene: PRKG1 (protein kinase cGMP-dependent 1; plus strand). Cytogenetic location: 10q21.1.
Variant type: single nucleotide variant.
Coding change: c.2014G>A on transcript NM_006258.4 (MANE Select); coding-DNA position 2014, G replaced by A.
Protein change: p.Asp672Asn; replaces aspartic acid 672 with asparagine.
Molecular consequence: missense variant.
Genome position (GRCh38, 1-based): chr10:52,293,853, G>A. VCF-style: chr10-52293853-G-A. GRCh37 (hg19) VCF-style: chr10-54053613-G-A.
Other names: c.2014G>A, p.Asp672Asn (LRG_1135t1); c.1969G>A, p.Asp657Asn (LRG_1135t2, NM_001098512.3); short protein forms D657N, D672N.
Identifiers: ClinVar variation 477776 (VCV000477776.16), dbSNP rs142375882, ClinGen allele CA5504011.